The following is an entry in ClinVar:

ClinVar aggregate classification (germline): Pathogenic (1 of 4 stars; one submission).

Conditions:
Spermatogenic failure 18. Identifiers: MedGen C4539783, MONDO:0054615, OMIM 617576.
Ciliary dyskinesia, primary, 37 (CILD37). Also called: CILIARY DYSKINESIA, PRIMARY, 37, WITH OR WITHOUT SITUS INVERSUS. Identifiers: MedGen C4539798, MONDO:0033204, OMIM 617577.

Submission:

Labcorp Genetics (formerly Invitae), Labcorp
Classification: Pathogenic for Ciliary dyskinesia, primary, 37; Spermatogenic failure 18. Last evaluated: 2022-12-23. Review status: criteria provided, single submitter. Criteria: Invitae Variant Classification Sherloc (09022015). Collection method: clinical testing. Allele origin: germline.
Comment: This sequence change creates a premature translational stop signal (p.Gly1586Alafs*98) in the DNAH1 gene. It is expected to result in an absent or disrupted protein product. Loss-of-function variants in DNAH1 are known to be pathogenic (PMID: 27573432, 27798045). This variant is not present in population databases (gnomAD no frequency). This variant has not been reported in the literature in individuals affected with DNAH1-related conditions. For these reasons, this variant has been classified as Pathogenic.

Literature cited by the submitters: PubMed 27573432; PubMed 27798045.

NM_015512.5(DNAH1):c.4757del (p.Gly1586fs)

Gene: DNAH1 (dynein axonemal heavy chain 1; plus strand). Cytogenetic location: 3p21.1.
Variant type: Deletion.
Coding change: c.4757del on transcript NM_015512.5 (MANE Select); coding-DNA position 4757, one base deleted (G; older notation c.4757delG).
Protein change: p.Gly1586fs; shifts the reading frame from glycine 1586.
Molecular consequence: frameshift variant.
Genome position (GRCh38, 1-based): chr3:52,361,235, G deleted; the last of 2 consecutive G bases (chr3:52,361,234-52,361,235); deleting either gives the same sequence. VCF-style (leftmost placement, unchanged base first): chr3-52361233-AG-A. GRCh37 (hg19) VCF-style: chr3-52395249-AG-A.
Other names: short protein forms G1586fs.
Identifiers: ClinVar variation 2932698 (VCV002932698.3), dbSNP rs1702844873, ClinGen allele CA1364820877.